The following is an entry in ClinVar:

NM_003482.4(KMT2D):c.2418G>C (p.Leu806=)

Gene: KMT2D (lysine methyltransferase 2D; minus strand). Cytogenetic location: 12q13.12.
Variant type: single nucleotide variant.
Coding change: c.2418G>C on transcript NM_003482.4 (MANE Select); coding-DNA position 2418, G replaced by C.
Protein change: p.Leu806=; no amino-acid change (leucine 806 retained).
Molecular consequence: synonymous variant.
Genome position (GRCh38, 1-based): chr12:49,051,265, C>G on the plus strand (G>C on the coding strand, the complement: KMT2D is on the minus strand). VCF-style: chr12-49051265-C-G. GRCh37 (hg19) VCF-style: chr12-49445048-C-G.
Identifiers: ClinVar variation 4990926 (VCV004990926.1).

ClinVar aggregate classification (germline): Likely benign (1 of 4 stars; one submission).

Conditions:
KMT2D-related disorder. Also called: KMT2D-Related Disorders.

Submission:

PreventionGenetics, part of Exact Sciences
Classification: Likely benign for KMT2D-related condition. Last evaluated: 2026-03-31. Review status: criteria provided, single submitter. Criteria: ACMG Guidelines, 2015. Collection method: clinical testing. Allele origin: germline.
Comment: This variant is classified as likely benign based on ACMG/AMP sequence variant interpretation guidelines (Richards et al. 2015 PMID: 25741868, with internal and published modifications).